The following is an entry in ClinVar:

ClinVar aggregate classification (germline): Uncertain significance (1 of 4 stars; one submission).

Conditions:
Hereditary cancer-predisposing syndrome. Also called: Hereditary Cancer Syndrome; Hereditary neoplastic syndrome; Neoplastic Syndromes, Hereditary; Tumor predisposition. Identifiers: Orphanet 140162, MedGen C0027672, MeSH D009386, MONDO:0015356.

Submission:

Ambry Genetics
Classification: Uncertain significance for Hereditary cancer-predisposing syndrome. Last evaluated: 2021-11-22. Review status: criteria provided, single submitter. Criteria: Ambry Variant Classification Scheme 2023. Collection method: clinical testing. Allele origin: germline.
Comment: The p.K2072Q variant (also known as c.6214A>C), located in coding exon 45 of the POLE gene, results from an A to C substitution at nucleotide position 6214. The lysine at codon 2072 is replaced by glutamine, an amino acid with similar properties. This amino acid position is conserved. In addition, the in silico prediction for this alteration is inconclusive. Since supporting evidence is limited at this time, the clinical significance of this alteration remains unclear.

NM_006231.4(POLE):c.6214A>C (p.Lys2072Gln)

Gene: POLE (DNA polymerase epsilon, catalytic subunit; minus strand). Cytogenetic location: 12q24.33.
Variant type: single nucleotide variant.
Coding change: c.6214A>C on transcript NM_006231.4 (MANE Select); coding-DNA position 6214, A replaced by C.
Protein change: p.Lys2072Gln; replaces lysine 2072 with glutamine.
Molecular consequence: missense variant.
Genome position (GRCh38, 1-based): chr12:132,632,431, T>G on the plus strand (A>C on the coding strand, the complement: POLE is on the minus strand). VCF-style: chr12-132632431-T-G. GRCh37 (hg19) VCF-style: chr12-133209017-T-G.
Other names: short protein forms K2072Q.
Identifiers: ClinVar variation 1752233 (VCV001752233.2), dbSNP rs2541854230, ClinGen allele CA387369677.
Genomic context (GRCh38, chr12:132,632,431, plus strand): 5'-CGGGGAGGACAGGAAACATCTCTGAGAGCTCAGTGGAGTTCCGAGAGCCTGTGACTTTCT[T>G]CTGAATCTTCTGAGTGATGGTGAAGAAGCTCTGAGTGAGCTCATTTGCGACATAATCCTG-3'
Protein context (NP_006222.2, residues 2062-2082): SFFTITQKIQ[Lys2072Gln]KVTGSRNSTE